The following is an entry in ClinVar:

ClinVar aggregate classification (germline): Pathogenic (1 of 4 stars; one submission).

Conditions:
Cerebellar dysfunction with variable cognitive and behavioral abnormalities (CECBA). Also called: Nonprogressive cerebellar atxia with intellectual disability. Identifiers: Orphanet 314647, MedGen C3553661, MONDO:0013886, OMIM 614756.

Submission:

Institute for Genomic Medicine (IGM) Clinical Laboratory, Nationwide Children's Hospital
Classification: Pathogenic for Cerebellar dysfunction with variable cognitive and behavioral abnormalities. Last evaluated: 2017-07-31. Review status: criteria provided, single submitter. Criteria: ACMG Guidelines, 2015. Collection method: clinical testing. Allele origin: germline. Affected: yes.
Comment: [ACMG/AMP: PVS1, PM2, PP1] This alteration is a null variant in a gene where LOF is a known mechanism of disease [PVS1], is absent from or rarely observed in large-scale population databases [PM2], has been shown to cosegregate with disease in multiple affected family members [PP1].

NM_015215.4(CAMTA1):c.4049_4051delinsGTGCTGC (p.Pro1350fs)

Genes: CAMTA1 (calmodulin binding transcription activator 1; plus strand), LOC126805603 (CDK7 strongly-dependent group 2 enhancer GRCh37_chr1:7798026-7799225; plus strand). Cytogenetic location: 1p36.23.
Variant type: Indel.
Coding change: c.4049_4051delinsGTGCTGC on transcript NM_015215.4 (MANE Select); coding-DNA positions 4049 to 4051, CTT replaced by GTGCTGC.
Protein change: p.Pro1350fs; shifts the reading frame from proline 1350.
Molecular consequence: frameshift variant.
Genome position (GRCh38, 1-based): chr1:7,738,349-7,738,351, CTT replaced by GTGCTGC. VCF-style: chr1-7738349-CTT-GTGCTGC. GRCh37 (hg19) VCF-style: chr1-7798409-CTT-GTGCTGC.
Other names: c.1121_1123delinsGTGCTGC, p.Pro374fs (NM_001349614.1, NM_001349615.2, NM_001349616.2 and 2 more transcripts); c.782_784delinsGTGCTGC, p.Pro261fs (NM_001349619.2, NM_001349620.1, NM_001349621.1 and 5 more transcripts); c.3959_3961delinsGTGCTGC, p.Pro1320fs (NM_001349608.2); c.3710_3712delinsGTGCTGC, p.Pro1237fs (NM_001349609.2, NM_001349610.2); c.3620_3622delinsGTGCTGC, p.Pro1207fs (NM_001349612.2); c.1178_1180delinsGTGCTGC, p.Pro393fs (NM_001349613.1); short protein forms P374fs, P393fs, P1320fs, P261fs, P1207fs, P1237fs, P1350fs.
Identifiers: ClinVar variation 973263 (VCV000973263.5), dbSNP rs2096785839, ClinGen allele CA1139655930.